The following is an entry in ClinVar:

NM_000292.3(PHKA2):c.2606C>G (p.Pro869Arg)

Gene: PHKA2 (phosphorylase kinase regulatory subunit alpha 2; minus strand). Cytogenetic location: Xp22.13.
Variant type: single nucleotide variant.
Coding change: c.2606C>G on transcript NM_000292.3 (MANE Select); coding-DNA position 2606, C replaced by G.
Protein change: p.Pro869Arg; replaces proline 869 with arginine.
Molecular consequence: missense variant.
Genome position (GRCh38, 1-based): chrX:18,906,806, G>C on the plus strand (C>G on the coding strand, the complement: PHKA2 is on the minus strand). VCF-style: chrX-18906806-G-C. GRCh37 (hg19) VCF-style: chrX-18924924-G-C.
Other names: short protein forms P869R.
Identifiers: ClinVar variation 1698539 (VCV001698539.2), dbSNP rs777137574, ClinGen allele CA10361578.
Genomic context (GRCh38, chrX:18,906,806, plus strand): 5'-ACGGCAATGCTGATGTCCTGCCCACTGGCCTCGTAGATGAGTTTTGTGAGCTCCTCTGGG[G>C]GAAGGGGCCTAGAAAGGAGCATTGTGTCACGAATGTGATGAGGTGTCTTGAGACAGTGCC-3'
Protein context (NP_000283.1, residues 859-879): PREKIISAPL[Pro869Arg]PEELTKLIYE

ClinVar aggregate classification (germline): Likely pathogenic (1 of 4 stars; one submission).

Conditions:
Glycogen phosphorylase kinase deficiency. Also called: Phosphorylase Kinase Deficiency; Glycogen Storage Disease Type IX. Identifiers: Orphanet 370, MedGen C0268147, MONDO:0700291.

Allele frequency attached by ClinVar (database versions not stated): ExAC 0.00001; gnomAD exomes 0.00001.
gnomAD v4.1: 19 of 1,208,327 alleles (0.0016%); highest among the groups gnomAD compares: Non-Finnish European, 0.002%; no homozygotes.

Submission:

Women's Health and Genetics/Laboratory Corporation of America, LabCorp
Classification: Likely pathogenic for Glycogen phosphorylase kinase deficiency. Last evaluated: 2024-09-27. Review status: criteria provided, single submitter. Criteria: LabCorp Variant Classification Summary - May 2015. Collection method: clinical testing. Allele origin: germline.
Comment: Variant summary: PHKA2 c.2606C>G (p.Pro869Arg) results in a non-conservative amino acid change located in the GH15-like domain (IPR011613) of the encoded protein sequence. Five of five in-silico tools predict a damaging effect of the variant on protein function. The variant allele was found at a frequency of 5.4e-06 in 183525 control chromosomes. c.2606C>G has been reported in the literature in multiple individuals from two families affected with Glycogen Phosphorylase Kinase Deficiency (Beauchamp_2007, Benner_2021). These data indicate that the variant is very likely to be associated with disease. The following publications have been ascertained in the context of this evaluation (PMID: 17689125, 34117828). ClinVar contains an entry for this variant (Variation ID: 1698539). Based on the evidence outlined above, the variant was classified as likely pathogenic.

Literature cited by the submitters: PubMed 17689125; PubMed 34117828.